The following is an entry in ClinVar:

NM_178857.6(RP1L1):c.4374C>A (p.Ser1458Arg)

Gene: RP1L1 (RP1 like 1). Cytogenetic location: 8p23.1.
Variant type: single nucleotide variant.
Coding change: c.4374C>A on transcript NM_178857.6 (MANE Select); coding-DNA position 4374, C replaced by A.
Protein change: p.Ser1458Arg; replaces serine 1458 with arginine.
Molecular consequence: missense variant.
Genome position (GRCh38, 1-based): chr8:10,609,724, G>T on the plus strand (C>A on the coding strand, the complement: RP1L1 is on the minus strand). VCF-style: chr8-10609724-G-T. GRCh37 (hg19) VCF-style: chr8-10467234-G-T.
Other names: short protein forms S1458R.
Identifiers: ClinVar variation 3947243 (VCV003947243.2).

ClinVar aggregate classification (germline): Uncertain significance. Review status: criteria provided, multiple submitters, no conflicts (2 of 4 stars). 2 submissions from 2 submitters: Uncertain significance (2). Last evaluated 2025-05-04.

Conditions:
RP1L1-related disorder. Also called: RP1L1-related condition.
Inborn genetic diseases. Identifiers: MedGen C0950123, MeSH D030342.

gnomAD v4.1: 2 of 1,613,178 alleles (0.00012%); highest among the groups gnomAD compares: Admixed American, 0.0017%; no homozygotes.

Submissions (2):

PreventionGenetics, part of Exact Sciences
Classification: Uncertain significance for RP1L1-related condition. Last evaluated: 2025-05-04. Review status: criteria provided, single submitter. Criteria: ACMG Guidelines, 2015. Collection method: clinical testing. Allele origin: germline.
Comment: The RP1L1 c.4374C>A variant is predicted to result in the amino acid substitution p.Ser1458Arg. To our knowledge, this variant has not been reported in the literature or in a large population database (gnomad). At this time, the clinical significance of this variant is uncertain due to the absence of conclusive functional and genetic evidence.

Ambry Genetics
Classification: Uncertain significance for Inborn genetic diseases. Last evaluated: 2025-04-11. Review status: criteria provided, single submitter. Criteria: Ambry Variant Classification Scheme 2023. Collection method: clinical testing. Allele origin: germline.